The following is an entry in ClinVar:

NM_001160148.2(DDHD1):c.410G>A (p.Gly137Glu)

Gene: DDHD1 (DDHD domain containing 1; minus strand). Cytogenetic location: 14q22.1.
Variant type: single nucleotide variant.
Coding change: c.410G>A on transcript NM_001160148.2 (MANE Select); coding-DNA position 410, G replaced by A.
Protein change: p.Gly137Glu; replaces glycine 137 with glutamic acid.
Molecular consequence: missense variant.
Genome position (GRCh38, 1-based): chr14:53,152,689, C>T on the plus strand (G>A on the coding strand, the complement: DDHD1 is on the minus strand). VCF-style: chr14-53152689-C-T. GRCh37 (hg19) VCF-style: chr14-53619407-C-T.
Other names: c.410G>A, p.Gly137Glu (NM_001160147.2, NM_030637.3); short protein forms G137E.
Identifiers: ClinVar variation 2103884 (VCV002103884.4), dbSNP rs1410448655, ClinGen allele CA389780873.

ClinVar aggregate classification (germline): Uncertain significance (1 of 4 stars; one submission).

Conditions:
Hereditary spastic paraplegia 28. Also called: Spastic paraplegia 28, autosomal recessive. Identifiers: Orphanet 101008, MedGen C1836295, MONDO:0012256, OMIM 609340.

Submission:

Labcorp Genetics (formerly Invitae), Labcorp
Classification: Uncertain significance for Hereditary spastic paraplegia 28. Last evaluated: 2022-03-06. Review status: criteria provided, single submitter. Criteria: Invitae Variant Classification Sherloc (09022015). Collection method: clinical testing. Allele origin: germline.
Comment: This sequence change replaces glycine, which is neutral and non-polar, with glutamic acid, which is acidic and polar, at codon 137 of the DDHD1 protein (p.Gly137Glu). This variant is not present in population databases (gnomAD no frequency). This variant has not been reported in the literature in individuals affected with DDHD1-related conditions. Algorithms developed to predict the effect of missense changes on protein structure and function are either unavailable or do not agree on the potential impact of this missense change (SIFT: "Tolerated"; PolyPhen-2: "Possibly Damaging"; Align-GVGD: "Class C0"). In summary, the available evidence is currently insufficient to determine the role of this variant in disease. Therefore, it has been classified as a Variant of Uncertain Significance.